The following is an entry in ClinVar:

ClinVar aggregate classification (germline): Uncertain significance (1 of 4 stars; one submission).

Submission:

GeneDx
Classification: Uncertain significance. Last evaluated: 2025-06-10. Review status: criteria provided, single submitter. Criteria: GeneDx Variant Classification Process June 2021. Collection method: clinical testing. Allele origin: germline. Affected: yes.
Comment: Not observed at significant frequency in large population cohorts (gnomAD); In silico analysis supports that this missense variant has a deleterious effect on protein structure/function; Has not been previously published as pathogenic or benign to our knowledge

NM_003024.3(ITSN1):c.130G>A (p.Ala44Thr)

Gene: ITSN1 (intersectin 1; plus strand). Cytogenetic location: 21q22.11.
Variant type: single nucleotide variant.
Coding change: c.130G>A on transcript NM_003024.3 (MANE Select); coding-DNA position 130, G replaced by A.
Protein change: p.Ala44Thr; replaces alanine 44 with threonine.
Molecular consequence: missense variant.
Genome position (GRCh38, 1-based): chr21:33,722,596, G>A. VCF-style: chr21-33722596-G-A. GRCh37 (hg19) VCF-style: chr21-35094901-G-A.
Other names: c.130G>A, p.Ala44Thr (NM_001001132.2, NM_001331008.2, NM_001331009.2 and 3 more transcripts); short protein forms A44T.
Identifiers: ClinVar variation 4538102 (VCV004538102.1).